The following is an entry in ClinVar:

NM_001029998.6(SLC10A7):c.711A>G (p.Ile237Met)

Gene: SLC10A7 (solute carrier family 10 member 7; minus strand). Cytogenetic location: 4q31.22.
Variant type: single nucleotide variant.
Coding change: c.711A>G on transcript NM_001029998.6 (MANE Select); coding-DNA position 711, A replaced by G.
Protein change: p.Ile237Met; replaces isoleucine 237 with methionine.
Molecular consequence: missense variant.
Genome position (GRCh38, 1-based): chr4:146,293,940, T>C on the plus strand (A>G on the coding strand, the complement: SLC10A7 is on the minus strand). VCF-style: chr4-146293940-T-C. GRCh37 (hg19) VCF-style: chr4-147215092-T-C.
Other names: p.Ile237Met; c.711A>G (NM_001300842.2); c.711A>G, p.Ile237Met (NM_001300842.3); c.672A>G, p.Ile224Met (NM_001317816.2); short protein forms I224M, I237M.
Identifiers: ClinVar variation 1549029 (VCV001549029.12), dbSNP rs76346232, ClinGen allele CA3096728.

ClinVar aggregate classification (germline): Benign. Review status: criteria provided, multiple submitters, no conflicts (2 of 4 stars). 4 submissions from 4 submitters: Benign (3). 1 of the submissions does not count toward it. Last evaluated 2026-02-01.

Conditions:
SLC10A7-related disorder. Also called: SLC10A7-related condition.

Allele frequency attached by ClinVar (database versions not stated): ESP Exome Variant Server 0.00031; ExAC 0.01367; gnomAD 0.00565 and 0.00484; gnomAD exomes 0.00379 and 0.01639; 1000 Genomes Project 0.01857; TOPMed 0.00906; 1000 Genomes Project 30x 0.01874.
gnomAD v4.1: 6,435 of 1,611,692 alleles (0.4%); highest among the groups gnomAD compares: Admixed American, 5.7%; 220 homozygotes.

Submissions (4):

Labcorp Genetics (formerly Invitae), Labcorp
Classification: Benign. Last evaluated: 2026-02-01. Review status: criteria provided, single submitter. Criteria: Invitae Variant Classification Sherloc (09022015). Collection method: clinical testing. Allele origin: germline.

Mayo Clinic Laboratories, Mayo Clinic
Classification: Benign. Last evaluated: 2024-10-31. Review status: criteria provided, single submitter. Criteria: ACMG Guidelines, 2015. Collection method: clinical testing. Allele origin: germline. Observed: 1 variant allele.

Breakthrough Genomics
Classification: Benign. Review status: criteria provided, single submitter. Criteria: ACMG Guidelines, 2015. Collection method: not provided. Allele origin: germline. Inheritance: Autosomal recessive inheritance. Affected: yes.

PreventionGenetics, part of Exact Sciences
Classification: Benign for SLC10A7-related condition. Last evaluated: 2019-12-13. Review status: no assertion criteria provided. Collection method: clinical testing. Allele origin: germline. Not counted in ClinVar's aggregate classification.
Comment: This variant is classified as benign based on ACMG/AMP sequence variant interpretation guidelines (Richards et al. 2015 PMID: 25741868, with internal and published modifications).